The following is an entry in ClinVar:

ClinVar aggregate classification (germline): Conflicting classifications of pathogenicity. Review status: criteria provided, conflicting classifications (1 of 4 stars). 3 submissions from 3 submitters: Uncertain significance (1); Likely benign (2). Last evaluated 2025-10-01.

Conditions:
Classic or attenuated familial adenomatous polyposis. Identifiers: MedGen CN372698, MONDO:0021057.
Familial adenomatous polyposis 1 (FAP1). Also called: FAMILIAL ADENOMATOUS POLYPOSIS 1, ATTENUATED; POLYPOSIS, ADENOMATOUS INTESTINAL. Identifiers: MedGen C2713442, MONDO:0021056, OMIM 175100. Disease mechanism: loss of function.

Allele frequency attached by ClinVar (database versions not stated): gnomAD 0.00001.

Submissions (3):

Labcorp Genetics (formerly Invitae), Labcorp
Classification: Likely benign for Familial adenomatous polyposis 1. Last evaluated: 2025-10-01. Review status: criteria provided, single submitter. Criteria: Invitae Variant Classification Sherloc (09022015). Collection method: clinical testing. Allele origin: germline.

All of Us Research Program, National Institutes of Health
Classification: Likely benign for Classic or attenuated familial adenomatous polyposis. Last evaluated: 2024-02-05. Review status: criteria provided, single submitter. Criteria: ACMG Guidelines, 2015. Collection method: clinical testing. Allele origin: germline. Inheritance: Autosomal dominant inheritance. Observed: 1 variant allele, 1 heterozygote.
Comment: This study involves interpretation of variants in research participants for the purpose of population health screening. Participant phenotype was not available at the time of variant classification. Additional details can be found in publication PMID: 35346344, PMCID: PMC8962531

Quest Diagnostics Nichols Institute San Juan Capistrano
Classification: Uncertain significance. Last evaluated: 2021-06-13. Review status: criteria provided, single submitter. Criteria: Quest Diagnostics criteria. Collection method: clinical testing. Allele origin: unknown.

NM_000038.6(APC):c.220+6T>C

Gene: APC (APC regulator of Wnt signaling pathway; plus strand). Cytogenetic location: 5q22.2.
Variant type: single nucleotide variant.
Coding change: c.220+6T>C on transcript NM_000038.6 (MANE Select); 6 bases into the intron after coding-DNA position 220, T replaced by C.
Molecular consequence: intron variant.
Genome position (GRCh38, 1-based): chr5:112,766,416, T>C. VCF-style: chr5-112766416-T-C. GRCh37 (hg19) VCF-style: chr5-112102113-T-C.
Other names: c.220+6T>C (NM_001354895.2, NM_001127510.3, NM_001354896.2 and 2 more transcripts); c.250+6T>C (NM_001354897.2, NM_001354902.2, NM_001127511.3); c.145+6T>C (NM_001354898.2, NM_001354904.2); c.-816+6T>C (NM_001354906.2); c.43+6T>C (NM_001354900.2, NM_001354901.2, NM_001354905.2).
Identifiers: ClinVar variation 1042757 (VCV001042757.12), dbSNP rs1756339861, ClinGen allele CA1573495346.